The following is an entry in ClinVar:

ClinVar aggregate classification (germline): Conflicting classifications of pathogenicity. Review status: criteria provided, conflicting classifications (1 of 4 stars). 8 submissions from 8 submitters: Pathogenic (3); Likely pathogenic (2); Uncertain significance (1). 2 of the submissions do not count toward it. Last evaluated 2026-03-02.

Conditions:
Galloway-Mowat syndrome 7. Identifiers: MedGen C5193044, MONDO:0032692, OMIM 618348.
Light complexion.
Early onset focal segmental glomerulosclerosis.
Global developmental delay (DD). Also called: Cognitive delay. Identifiers: MedGen C0557874, HP:0001263. Disease mechanism: loss of function.

Allele frequency attached by ClinVar (database versions not stated): gnomAD exomes below 0.00001 and 0.00001; ExAC 0.00001.

Submissions (8):

Broad Center for Mendelian Genomics, Broad Institute of MIT and Harvard
Classification: Uncertain significance for Galloway-Mowat syndrome 7. Last evaluated: 2026-03-02. Review status: criteria provided, single submitter. Criteria: ACMG Guidelines, 2015. Collection method: research. Allele origin: germline. Inheritance: Autosomal recessive inheritance.
Comment: The p.Met101Ile variant in NUP107 has been reported in the homozygous state in multiple individuals with nephrotic syndrome, type 11 or Galloway-Mowat syndrome-7 (PMID: 28117080, 30179222, 28280135, 25558065), segregated with disease in 19 affected relatives from 6 families (PMID: 28117080, 30179222, 28280135), and has been identified in 0.003% (1/30554) of South Asian chromosomes by the Genome Aggregation Database (gnomAD; dbSNP (rs730882216). Although this variant has been seen in the general population in a heterozygous state, its frequency is low enough to be consistent with a recessive carrier frequency. In vitro functional studies provide some evidence that the p.Met101Ile variant may impact protein function (PMID: 30179222, 28280135). However, these types of assays may not accurately represent biological function. Computational prediction tools and conservation analyses suggest that this variant may impact the protein, though this information is not predictive enough to determine pathogenicity. While variants in the NUP107 gene have been reported in individuals with Galloway-Mowat syndrome-7, this association has not been definitively established. In summary, given the limited information about this gene-disease relationship, the significance of the p.Met101Ile variant is uncertain for Galloway-Mowat syndrome-7.

3billion
Classification: Likely pathogenic for Galloway-Mowat syndrome 7. Last evaluated: 2025-12-26. Review status: criteria provided, single submitter. Criteria: ACMG Guidelines, 2015. Collection method: clinical testing. Allele origin: germline. Affected: yes.
Comment: The variant is observed at an extremely low frequency in the gnomAD v4.1.0 dataset (total allele frequency: <0.001%). Predicted Consequence/Location: Missense variant In silico tools predict the variant to alter splicing and produce an abnormal transcript [SpliceAI: 0.82 (>=0.2, moderate evidence for spliceogenicity)]. The same nucleotide change resulting in the same amino acid change has been previously reported as pathogenic/likely pathogenic with strong evidence (ClinVar ID: VCV000183304 /PMID: 28117080). Therefore, this variant is classified as Likely pathogenic according to the recommendation of ACMG/AMP guideline.

GeneDx
Classification: Likely pathogenic. Last evaluated: 2024-06-29. Review status: criteria provided, single submitter. Criteria: GeneDx Variant Classification Process June 2021. Collection method: clinical testing. Allele origin: germline. Affected: yes.
Comment: Not observed at significant frequency in large population cohorts (gnomAD); In silico analysis supports that this missense variant has a deleterious effect on protein structure/function; RNA studies demonstrate a damaging effect that leads to decreased protein expression (PMID: 28280135); This variant is associated with the following publications: (PMID: 38136965, 28117080, 28280135, 25558065, 30179222)

MVZ Medizinische Genetik Mainz
Classification: Pathogenic for Galloway-Mowat syndrome 7. Last evaluated: 2023-06-12. Review status: criteria provided, single submitter. Criteria: UK Practice Guidelines For Variant Classification V4 01 2020. Collection method: clinical testing. Allele origin: germline. Inheritance: Autosomal recessive inheritance. Affected: yes. Observed: 1 variant allele.
Comment: ACMG Criteria: PS3,PM3_STR,PM2_SUP,PP3

SIB Swiss Institute of Bioinformatics
Classification: Pathogenic for Galloway-Mowat syndrome 7. Last evaluated: 2019-07-09. Review status: criteria provided, single submitter. Criteria: ACMG Guidelines, 2015. Collection method: curation. Allele origin: unknown. Inheritance: Autosomal recessive inheritance.
Comment: This variant is interpreted as a Pathogenic for Galloway-Mowat syndrome 7. The following ACMG Tag(s) were applied: PM2 => Absent from controls (or at extremely low frequency if recessive) in Exome Sequencing Project, 1000 Genomes Project, or Exome Aggregation Consortium. PS3 => Well-established functional studies show a deleterious effect (PMID:30179222). PP1-Strong => PP1 upgraded in strength to Strong (PMID:28280135; 30179222; 25558065). PM3 =>Multiple unrelated affected individuals homozygous for the variant (PMID:28280135; 30179222; 25558065; 28117080)

ClinGen:CA249928

CeGaT Center for Human Genetics Tuebingen
Classification: Pathogenic. Last evaluated: 2019-02-01. Review status: criteria provided, single submitter. Criteria: CeGaT Center For Human Genetics Tuebingen Variant Classification Criteria Version 2. Collection method: clinical testing. Allele origin: germline. Affected: yes. Observed: 2 variant alleles.

OMIM
Classification: Pathogenic for GALLOWAY-MOWAT SYNDROME 7. Last evaluated: 2015-01-13. Review status: no assertion criteria provided. Collection method: literature only. Allele origin: germline. Not counted in ClinVar's aggregate classification.

Genomic Medicine Center of Excellence, King Faisal Specialist Hospital and Research Centre
Classification: Likely pathogenic for Global developmental delay; Light complexion; Early onset focal segmental glomerulosclerosis. Last evaluated: 2014-12-01. Review status: no assertion criteria provided. Criteria: research. Collection method: research. Allele origin: germline. Affected: yes. Not counted in ClinVar's aggregate classification.

Literature cited by the submitters: PubMed 28117080 (cited by 3 submitters); PubMed 28280135 (cited by SIB Swiss Institute of Bioinformatics and OMIM); PubMed 30179222 (cited by SIB Swiss Institute of Bioinformatics and OMIM); PubMed 25558065 (cited by 3 submitters).

NM_020401.4(NUP107):c.303G>A (p.Met101Ile)

Gene: NUP107 (nucleoporin 107; plus strand). Cytogenetic location: 12q15.
Variant type: single nucleotide variant.
Coding change: c.303G>A on transcript NM_020401.4 (MANE Select); coding-DNA position 303, G replaced by A.
Protein change: p.Met101Ile; replaces methionine 101 with isoleucine.
Molecular consequence: missense variant.
Genome position (GRCh38, 1-based): chr12:68,690,746, G>A. VCF-style: chr12-68690746-G-A. GRCh37 (hg19) VCF-style: chr12-69084526-G-A.
Other names: NM_020401.4(NUP107):c.303G>A; p.Met101Ile; c.216G>A, p.Met72Ile (NM_001330192.2); short protein forms M101I, M72I.
Identifiers: ClinVar variation 183304 (VCV000183304.48), dbSNP rs730882216, ClinGen allele CA249928.